The following is an entry in ClinVar:

ClinVar aggregate classification (germline): Uncertain significance. Review status: criteria provided, multiple submitters, no conflicts (2 of 4 stars). 2 submissions from 2 submitters: Uncertain significance (2). Last evaluated 2023-04-27.

Conditions:
Cardiovascular phenotype. Identifiers: MedGen CN230736.
Alstrom syndrome (ALMS). Identifiers: Orphanet 64, MedGen C0268425, MONDO:0008763, OMIM 203800.

Allele frequency attached by ClinVar (database versions not stated): TOPMed below 0.00001.
gnomAD v4.1: 4 of 1,613,702 alleles (0.00025%); highest among the groups gnomAD compares: Middle Eastern, 0.016%; no homozygotes.

Submissions (2):

Ambry Genetics
Classification: Uncertain significance for Cardiovascular phenotype. Last evaluated: 2023-04-27. Review status: criteria provided, single submitter. Criteria: Ambry Variant Classification Scheme 2023. Collection method: clinical testing. Allele origin: germline.
Comment: The p.S1301L variant (also known as c.3902C>T), located in coding exon 8 of the ALMS1 gene, results from a C to T substitution at nucleotide position 3902. The serine at codon 1301 is replaced by leucine, an amino acid with dissimilar properties. This amino acid position is poorly conserved in available vertebrate species. In addition, this alteration is predicted to be tolerated by in silico analysis. Since supporting evidence is limited at this time, the clinical significance of this alteration remains unclear.

Labcorp Genetics (formerly Invitae), Labcorp
Classification: Uncertain significance for Alstrom syndrome. Last evaluated: 2021-11-26. Review status: criteria provided, single submitter. Criteria: Invitae Variant Classification Sherloc (09022015). Collection method: clinical testing. Allele origin: germline.
Comment: This sequence change replaces serine, which is neutral and polar, with leucine, which is neutral and non-polar, at codon 1301 of the ALMS1 protein (p.Ser1301Leu). This variant is present in population databases (rs769219669, gnomAD 0.0009%). This variant has not been reported in the literature in individuals affected with ALMS1-related conditions. Experimental studies and prediction algorithms are not available or were not evaluated, and the functional significance of this variant is currently unknown. In summary, the available evidence is currently insufficient to determine the role of this variant in disease. Therefore, it has been classified as a Variant of Uncertain Significance.

NM_001378454.1(ALMS1):c.3899C>T (p.Ser1300Leu)

Gene: ALMS1 (ALMS1 centrosome and basal body associated protein; plus strand). Cytogenetic location: 2p13.1.
Variant type: single nucleotide variant.
Coding change: c.3899C>T on transcript NM_001378454.1 (MANE Select); coding-DNA position 3899, C replaced by T.
Protein change: p.Ser1300Leu; replaces serine 1300 with leucine.
Molecular consequence: missense variant.
Genome position (GRCh38, 1-based): chr2:73,450,426, C>T. VCF-style: chr2-73450426-C-T. GRCh37 (hg19) VCF-style: chr2-73677553-C-T.
Other names: c.3902C>T, p.Ser1301Leu (NM_015120.4); short protein forms S1300L, S1301L.
Identifiers: ClinVar variation 1392764 (VCV001392764.4), dbSNP rs769219669, ClinGen allele CA1713610.